The following is an entry in ClinVar:

NC_000016.9:g.(?_53706762)_(53709054_?)del

Gene: RPGRIP1L (RPGRIP1 like; minus strand). Cytogenetic location: 16q12.2.
Variant type: Deletion.
Identifiers: ClinVar variation 2426118 (VCV002426118.6).

ClinVar aggregate classification (germline): Pathogenic (1 of 4 stars; one submission).

Conditions:
Joubert syndrome. Also called: CEREBELLOPARENCHYMAL DISORDER IV; JOUBERT-BOLTSHAUSER SYNDROME; Familial aplasia of the vermis. Identifiers: Orphanet 475, MedGen C5979921, MONDO:0018772.
Meckel-Gruber syndrome. Also called: DYSENCEPHALIA SPLANCHNOCYSTICA; GRUBER SYNDROME; Dysencephalia splachnocystica. Identifiers: Orphanet 564, MedGen C0265215, MONDO:0018921.

Submission:

Labcorp Genetics (formerly Invitae), Labcorp
Classification: Pathogenic for Joubert syndrome; Meckel-Gruber syndrome. Last evaluated: 2023-09-06. Review status: criteria provided, single submitter. Criteria: Invitae Variant Classification Sherloc (09022015). Collection method: clinical testing. Allele origin: germline.
Comment: For these reasons, this variant has been classified as Pathogenic. This variant has not been reported in the literature in individuals affected with RPGRIP1L-related conditions. This variant is a gross deletion of the genomic region encompassing exon(s) 7-8 of the RPGRIP1L gene. This deletion is out-of-frame, and is expected to create a premature termination codon and result in an absent or disrupted protein product. Loss-of-function variants in RPGRIP1L are known to be pathogenic (PMID: 17558409).

Literature cited by the submitters: PubMed 17558409.